The following is an entry in ClinVar:

ClinVar aggregate classification (germline): Uncertain significance. Review status: criteria provided, multiple submitters, no conflicts (2 of 4 stars). 2 submissions from 2 submitters: Uncertain significance (2). Last evaluated 2025-11-26.

Conditions:
Inborn genetic diseases. Identifiers: MedGen C0950123, MeSH D030342.
Bailey-Bloch congenital myopathy (CMYO13). Also called: Native American myopathy; Congenital myopathy 13; STAC3 disorder. Identifiers: Orphanet 168572, MedGen C1850625, MONDO:0009722, OMIM 255995.

Allele frequency attached by ClinVar (database versions not stated): gnomAD exomes 0.00001; TOPMed 0.00002.
gnomAD v4.1: 14 of 1,613,958 alleles (0.00087%); highest among the groups gnomAD compares: South Asian, 0.0022%; no homozygotes.

Submissions (2):

Ambry Genetics
Classification: Uncertain significance for Inborn genetic diseases. Last evaluated: 2025-11-26. Review status: criteria provided, single submitter. Criteria: Ambry Variant Classification Scheme 2023. Collection method: clinical testing. Allele origin: germline.

Labcorp Genetics (formerly Invitae), Labcorp
Classification: Uncertain significance for Bailey-Bloch congenital myopathy. Last evaluated: 2022-06-13. Review status: criteria provided, single submitter. Criteria: Invitae Variant Classification Sherloc (09022015). Collection method: clinical testing. Allele origin: germline.
Comment: In summary, the available evidence is currently insufficient to determine the role of this variant in disease. Therefore, it has been classified as a Variant of Uncertain Significance. Algorithms developed to predict the effect of missense changes on protein structure and function are either unavailable or do not agree on the potential impact of this missense change (SIFT: "Tolerated"; PolyPhen-2: "Probably Damaging"; Align-GVGD: "Class C0"). This variant has not been reported in the literature in individuals affected with STAC3-related conditions. This variant is present in population databases (no rsID available, gnomAD 0.0009%). This sequence change replaces valine, which is neutral and non-polar, with alanine, which is neutral and non-polar, at codon 177 of the STAC3 protein (p.Val177Ala).

NM_145064.3(STAC3):c.530T>C (p.Val177Ala)

Gene: STAC3 (SH3 and cysteine rich domain 3; minus strand). Cytogenetic location: 12q13.3.
Variant type: single nucleotide variant.
Coding change: c.530T>C on transcript NM_145064.3 (MANE Select); coding-DNA position 530, T replaced by C.
Protein change: p.Val177Ala; replaces valine 177 with alanine.
Molecular consequence: missense variant. On other transcripts: 5 prime UTR variant (1), non-coding transcript variant (1).
Genome position (GRCh38, 1-based): chr12:57,246,877, A>G on the plus strand (T>C on the coding strand, the complement: STAC3 is on the minus strand). VCF-style: chr12-57246877-A-G. GRCh37 (hg19) VCF-style: chr12-57640660-A-G.
Other names: c.413T>C, p.Val138Ala (NM_001286256.2); c.-29T>C (NM_001286257.2); c.530T>C (NM_145064.1); short protein forms V138A, V177A.
Identifiers: ClinVar variation 1944018 (VCV001944018.6), dbSNP rs1168589894, ClinGen allele CA385413778.
Genomic context (GRCh38, chr12:57,246,877, plus strand): 5'-GCCTGTCCCTTCTTCCGTTCCTTGTTTGCCATGATCACCCCAGTGCGCAGGGTTTCAAAC[A>G]CAGGATCATTGCGATTGGCAGCAGCTAATCGAATGGGAGGAGAAAGAAGACATTATTGGG-3'
Protein context (NP_659501.1, residues 167-187): DLSAANRNDP[Val177Ala]FETLRTGVIM